The following is an entry in ClinVar:

ClinVar aggregate classification (germline): Uncertain significance (1 of 4 stars; one submission).

Submission:

Labcorp Genetics (formerly Invitae), Labcorp
Classification: Uncertain significance. Last evaluated: 2022-09-03. Review status: criteria provided, single submitter. Criteria: Invitae Variant Classification Sherloc (09022015). Collection method: clinical testing. Allele origin: germline.
Comment: In summary, the available evidence is currently insufficient to determine the role of this variant in disease. Therefore, it has been classified as a Variant of Uncertain Significance. Algorithms developed to predict the effect of sequence changes on RNA splicing suggest that this variant may disrupt the consensus splice site. This variant has not been reported in the literature in individuals affected with MICAL1-related conditions. This variant is not present in population databases (gnomAD no frequency). This sequence change affects a donor splice site in intron 18 of the MICAL1 gene. It is expected to disrupt RNA splicing. Variants that disrupt the donor or acceptor splice site typically lead to a loss of protein function (PMID: 16199547), however the current clinical and genetic evidence is not sufficient to establish whether loss-of-function variants in MICAL1 cause disease.

Literature cited by the submitters: PubMed 16199547.

NM_022765.4(MICAL1):c.2304+1G>A

Gene: MICAL1 (microtubule associated monooxygenase, calponin and LIM domain containing 1; minus strand). Cytogenetic location: 6q21.
Variant type: single nucleotide variant.
Coding change: c.2304+1G>A on transcript NM_022765.4 (MANE Select); the canonical splice donor site of the intron after coding-DNA position 2304, G replaced by A.
Molecular consequence: splice donor variant.
Genome position (GRCh38, 1-based): chr6:109,446,695, C>T on the plus strand (G>A on the coding strand, the complement: MICAL1 is on the minus strand). VCF-style: chr6-109446695-C-T. GRCh37 (hg19) VCF-style: chr6-109767898-C-T.
Other names: c.2361+1G>A (NM_001286613.2); c.2046+1G>A (NM_001159291.2).
Identifiers: ClinVar variation 1997524 (VCV001997524.4), dbSNP rs1168920888, ClinGen allele CA365224546.